The following is an entry in ClinVar:

NM_000051.4(ATM):c.4125del (p.Pro1376fs)

Gene: ATM (ATM serine/threonine kinase; plus strand). Cytogenetic location: 11q22.3.
Variant type: Deletion.
Coding change: c.4125del on transcript NM_000051.4 (MANE Select); coding-DNA position 4125, one base deleted (T; older notation c.4125delT).
Protein change: p.Pro1376fs; shifts the reading frame from proline 1376.
Molecular consequence: frameshift variant.
Genome position (GRCh38, 1-based): chr11:108,288,992, T deleted. VCF-style (leftmost placement, unchanged base first): chr11-108288991-CT-C. GRCh37 (hg19) VCF-style: chr11-108159718-CT-C.
Other names: c.4125del, p.Pro1376fs (NM_001351834.2); short protein forms P1376fs.
Identifiers: ClinVar variation 2031628 (VCV002031628.4), dbSNP rs2546903902, ClinGen allele CA2580083202.

ClinVar aggregate classification (germline): Pathogenic (1 of 4 stars; one submission).

Conditions:
Ataxia-telangiectasia syndrome (AT). Also called: Ataxia-telangiectasia, complementation group D; ATAXIA-TELANGIECTASIA, COMPLEMENTATION GROUP A; ATAXIA-TELANGIECTASIA, FRESNO VARIANT; Ataxia-telangiectasia; Ataxia telangiectasia (A-T); Cerebello-oculocutaneous telangiectasia. Identifiers: Orphanet 100, MedGen C0004135, MONDO:0008840, OMIM 208900.

Submission:

Labcorp Genetics (formerly Invitae), Labcorp
Classification: Pathogenic for Ataxia-telangiectasia syndrome. Last evaluated: 2022-09-21. Review status: criteria provided, single submitter. Criteria: Invitae Variant Classification Sherloc (09022015). Collection method: clinical testing. Allele origin: germline.
Comment: This sequence change creates a premature translational stop signal (p.Pro1376Leufs*10) in the ATM gene. It is expected to result in an absent or disrupted protein product. Loss-of-function variants in ATM are known to be pathogenic (PMID: 23807571, 25614872). For these reasons, this variant has been classified as Pathogenic. This variant has not been reported in the literature in individuals affected with ATM-related conditions. This variant is not present in population databases (gnomAD no frequency).

Literature cited by the submitters: PubMed 23807571; PubMed 25614872.